The following is an entry in ClinVar:

ClinVar aggregate classification (germline): Uncertain significance (1 of 4 stars; one submission).

Submission:

Labcorp Genetics (formerly Invitae), Labcorp
Classification: Uncertain significance. Last evaluated: 2024-10-17. Review status: criteria provided, single submitter. Criteria: Invitae Variant Classification Sherloc (09022015). Collection method: clinical testing. Allele origin: germline.
Comment: This sequence change replaces aspartic acid, which is acidic and polar, with alanine, which is neutral and non-polar, at codon 1939 of the POLE protein (p.Asp1939Ala). This variant is not present in population databases (gnomAD no frequency). This variant has not been reported in the literature in individuals affected with POLE-related conditions. ClinVar contains an entry for this variant (Variation ID: 1057485). An algorithm developed to predict the effect of missense changes on protein structure and function (PolyPhen-2) suggests that this variant is likely to be tolerated. In summary, the available evidence is currently insufficient to determine the role of this variant in disease. Therefore, it has been classified as a Variant of Uncertain Significance.

NM_006231.4(POLE):c.5816A>C (p.Asp1939Ala)

Gene: POLE (DNA polymerase epsilon, catalytic subunit; minus strand). Cytogenetic location: 12q24.33.
Variant type: single nucleotide variant.
Coding change: c.5816A>C on transcript NM_006231.4 (MANE Select); coding-DNA position 5816, A replaced by C.
Protein change: p.Asp1939Ala; replaces aspartic acid 1939 with alanine.
Molecular consequence: missense variant.
Genome position (GRCh38, 1-based): chr12:132,634,374, T>G on the plus strand (A>C on the coding strand, the complement: POLE is on the minus strand). VCF-style: chr12-132634374-T-G. GRCh37 (hg19) VCF-style: chr12-133210960-T-G.
Other names: short protein forms D1939A.
Identifiers: ClinVar variation 1057485 (VCV001057485.9), dbSNP rs2138475744, ClinGen allele CA387371908.